The following is an entry in ClinVar:

NM_006019.4(TCIRG1):c.455C>A (p.Thr152Lys)

Gene: TCIRG1 (T cell immune regulator 1, ATPase H+ transporting V0 subunit a3; plus strand). Cytogenetic location: 11q13.2.
Variant type: single nucleotide variant.
Coding change: c.455C>A on transcript NM_006019.4 (MANE Select); coding-DNA position 455, C replaced by A.
Protein change: p.Thr152Lys; replaces threonine 152 with lysine.
Molecular consequence: missense variant. On other transcripts: 5 prime UTR variant (2).
Genome position (GRCh38, 1-based): chr11:68,042,983, C>A. VCF-style: chr11-68042983-C-A. GRCh37 (hg19) VCF-style: chr11-67810450-C-A.
Other names: c.-795C>A (NM_001351059.2); c.-533C>A (NM_006053.4); short protein forms T152K.
Identifiers: ClinVar variation 2226588 (VCV002226588.4), dbSNP rs760540347, ClinGen allele CA6146721.
Genomic context (GRCh38, chr11:68,042,983, plus strand): 5'-TCATGGTGCTTCTGGGTTCCTAGCTGGCAGCCGCCCACACAGATGGGGCCTCAGAGAGGA[C>A]GCCCCTGCTCCAGGCCCCCGGGGGGCCGCACCAGGACCTGAGGGTCAAGTGAGTGAGGGA-3'
Protein context (NP_006010.2, residues 142-162): AAHTDGASER[Thr152Lys]PLLQAPGGPH

ClinVar aggregate classification (germline): Uncertain significance. Review status: criteria provided, multiple submitters, no conflicts (2 of 4 stars). 2 submissions from 2 submitters: Uncertain significance (2). Last evaluated 2024-10-12.

Conditions:
Inborn genetic diseases. Identifiers: MedGen C0950123, MeSH D030342.

Allele frequency attached by ClinVar (database versions not stated): ExAC 0.00006.
gnomAD v4.1: 54 of 1,554,670 alleles (0.0035%); highest among the groups gnomAD compares: South Asian, 0.063%; no homozygotes.

Submissions (2):

Labcorp Genetics (formerly Invitae), Labcorp
Classification: Uncertain significance. Last evaluated: 2024-10-12. Review status: criteria provided, single submitter. Criteria: Invitae Variant Classification Sherloc (09022015). Collection method: clinical testing. Allele origin: germline.
Comment: This sequence change replaces threonine, which is neutral and polar, with lysine, which is basic and polar, at codon 152 of the TCIRG1 protein (p.Thr152Lys). This variant is present in population databases (rs760540347, gnomAD 0.04%). This variant has not been reported in the literature in individuals affected with TCIRG1-related conditions. ClinVar contains an entry for this variant (Variation ID: 2226588). Invitae Evidence Modeling of protein sequence and biophysical properties (such as structural, functional, and spatial information, amino acid conservation, physicochemical variation, residue mobility, and thermodynamic stability) indicates that this missense variant is not expected to disrupt TCIRG1 protein function with a negative predictive value of 80%. In summary, the available evidence is currently insufficient to determine the role of this variant in disease. Therefore, it has been classified as a Variant of Uncertain Significance.

Ambry Genetics
Classification: Uncertain significance for Inborn genetic diseases. Last evaluated: 2021-08-12. Review status: criteria provided, single submitter. Criteria: Ambry Variant Classification Scheme 2023. Collection method: clinical testing. Allele origin: germline.